The following is an entry in ClinVar:

ClinVar aggregate classification (germline): Uncertain significance (1 of 4 stars; one submission).

Conditions:
Charcot-Marie-Tooth disease type 2R. Also called: CHARCOT-MARIE-TOOTH DISEASE, AXONAL, AUTOSOMAL RECESSIVE, TYPE 2R; Charcot-Marie-Tooth disease, axonal, type 2R; CHARCOT-MARIE-TOOTH NEUROPATHY, TYPE 2R. Identifiers: Orphanet 397968, MedGen C3809655, MONDO:0014208, OMIM 615490.

Submission:

Labcorp Genetics (formerly Invitae), Labcorp
Classification: Uncertain significance for Charcot-Marie-Tooth disease type 2R. Last evaluated: 2023-10-13. Review status: criteria provided, single submitter. Criteria: Invitae Variant Classification Sherloc (09022015). Collection method: clinical testing. Allele origin: germline.
Comment: This sequence change replaces serine, which is neutral and polar, with isoleucine, which is neutral and non-polar, at codon 544 of the TRIM2 protein (p.Ser544Ile). This variant is not present in population databases (gnomAD no frequency). This variant has not been reported in the literature in individuals affected with TRIM2-related conditions. An algorithm developed to predict the effect of missense changes on protein structure and function (PolyPhen-2) suggests that this variant is likely to be tolerated. In summary, the available evidence is currently insufficient to determine the role of this variant in disease. Therefore, it has been classified as a Variant of Uncertain Significance.

NM_015271.5(TRIM2):c.1712G>T (p.Ser571Ile)

Gene: TRIM2 (tripartite motif containing 2; plus strand). Cytogenetic location: 4q31.3.
Variant type: single nucleotide variant.
Coding change: c.1712G>T on transcript NM_015271.5 (MANE Select); coding-DNA position 1712, G replaced by T.
Protein change: p.Ser571Ile; replaces serine 571 with isoleucine.
Molecular consequence: missense variant.
Genome position (GRCh38, 1-based): chr4:153,315,929, G>T. VCF-style: chr4-153315929-G-T. GRCh37 (hg19) VCF-style: chr4-154237081-G-T.
Other names: c.1373G>T, p.Ser458Ile (NM_001375523.1, NM_001375525.1, NM_001375522.1); c.1631G>T, p.Ser544Ile (NM_001130067.2, NM_001351056.2, NM_001375512.1 and 5 more transcripts); c.1685G>T, p.Ser562Ile (NM_001351054.2); c.1682G>T, p.Ser561Ile (NM_001351055.2); c.1256G>T, p.Ser419Ile (NM_001351057.2); c.1805G>T, p.Ser602Ile (NM_001375488.1); c.1802G>T, p.Ser601Ile (NM_001375489.1); c.1655G>T, p.Ser552Ile (NM_001375490.1); and 3 more; short protein forms S571I, S551I, S561I, S562I, S601I, S459I, S460I, S602I.
Identifiers: ClinVar variation 2956928 (VCV002956928.3), dbSNP rs2546633255, ClinGen allele CA358468145.
Genomic context (GRCh38, chr4:153,315,929, plus strand): 5'-GCATACGGGGACGCTCTCCGGGGCAGCTGCAGCGGCCCACAGGAGTGGCTGTACATCCCA[G>T]TGGGGACATAATCATTGCCGATTATGATAATAAATGGGTCAGCATTTTCTCCTCCGATGG-3'
Protein context (NP_056086.2, residues 561-581): QRPTGVAVHP[Ser571Ile]GDIIIADYDN